The following is an entry in ClinVar:

NM_000245.4(MET):c.2265-59T>C

Gene: MET (MET proto-oncogene, receptor tyrosine kinase; plus strand). Cytogenetic location: 7q31.2.
Variant type: single nucleotide variant.
Coding change: c.2265-59T>C on transcript NM_000245.4 (MANE Select); 59 bases into the intron before coding-DNA position 2265, T replaced by C.
Molecular consequence: intron variant.
Genome position (GRCh38, 1-based): chr7:116,759,332, T>C. VCF-style: chr7-116759332-T-C. GRCh37 (hg19) VCF-style: chr7-116399386-T-C.
Other names: c.2265-5T>C (NM_001127500.3); c.975-59T>C (NM_001324402.2); c.2265-59T>C (NM_001324401.3).
Identifiers: ClinVar variation 2746480 (VCV002746480.3), dbSNP rs2485725318, ClinGen allele CA2697557555.

ClinVar aggregate classification (germline): Uncertain significance (1 of 4 stars; one submission).

Conditions:
Renal cell carcinoma. Identifiers: Orphanet 217071, MedGen C0007134, MeSH D002292, MONDO:0005086, HP:0005584.

Submission:

Labcorp Genetics (formerly Invitae), Labcorp
Classification: Uncertain significance for Renal cell carcinoma. Last evaluated: 2023-07-25. Review status: criteria provided, single submitter. Criteria: Invitae Variant Classification Sherloc (09022015). Collection method: clinical testing. Allele origin: germline.
Comment: This sequence change falls in intron 9 of the MET gene. It does not directly change the encoded amino acid sequence of the MET protein. This variant is not present in population databases (gnomAD no frequency). This variant has not been reported in the literature in individuals affected with MET-related conditions. Algorithms developed to predict the effect of sequence changes on RNA splicing suggest that this variant may disrupt the consensus splice site. In summary, the available evidence is currently insufficient to determine the role of this variant in disease. Therefore, it has been classified as a Variant of Uncertain Significance.